The following is an entry in ClinVar:

NM_000718.4(CACNA1B):c.3429C>A (p.Cys1143Ter)

Gene: CACNA1B (calcium voltage-gated channel subunit alpha1 B; plus strand). Cytogenetic location: 9q34.3.
Variant type: single nucleotide variant.
Coding change: c.3429C>A on transcript NM_000718.4 (MANE Select); coding-DNA position 3429, C replaced by A.
Protein change: p.Cys1143Ter; replaces cysteine 1143 with a stop codon.
Molecular consequence: nonsense.
Genome position (GRCh38, 1-based): chr9:138,046,919, C>A. VCF-style: chr9-138046919-C-A. GRCh37 (hg19) VCF-style: chr9-140941371-C-A.
Other names: c.3429C>A, p.Cys1143Ter (NM_001243812.2); short protein forms C1143*.
Identifiers: ClinVar variation 2030344 (VCV002030344.4), dbSNP rs1554752310, ClinGen allele CA375811552.

ClinVar aggregate classification (germline): Pathogenic (1 of 4 stars; one submission).

Submission:

Labcorp Genetics (formerly Invitae), Labcorp
Classification: Pathogenic. Last evaluated: 2022-09-14. Review status: criteria provided, single submitter. Criteria: Invitae Variant Classification Sherloc (09022015). Collection method: clinical testing. Allele origin: germline.
Comment: This sequence change creates a premature translational stop signal (p.Cys1143*) in the CACNA1B gene. It is expected to result in an absent or disrupted protein product. Loss-of-function variants in CACNA1B are known to be pathogenic (PMID: 30982612). This variant is not present in population databases (gnomAD no frequency). This variant has not been reported in the literature in individuals affected with CACNA1B-related conditions. For these reasons, this variant has been classified as Pathogenic.

Literature cited by the submitters: PubMed 30982612.